The following is an entry in ClinVar:

NM_022048.5(CSNK1G1):c.1166A>G (p.Asn389Ser)

Gene: CSNK1G1 (casein kinase 1 gamma 1; minus strand). Cytogenetic location: 15q22.31.
Variant type: single nucleotide variant.
Coding change: c.1166A>G on transcript NM_022048.5 (MANE Select); coding-DNA position 1166, A replaced by G.
Protein change: p.Asn389Ser; replaces asparagine 389 with serine.
Molecular consequence: missense variant.
Genome position (GRCh38, 1-based): chr15:64,180,396, T>C on the plus strand (A>G on the coding strand, the complement: CSNK1G1 is on the minus strand). VCF-style: chr15-64180396-T-C. GRCh37 (hg19) VCF-style: chr15-64472595-T-C.
Other names: c.1277A>G, p.Asn426Ser (NM_001329605.2); c.1166A>G, p.Asn389Ser (NM_001329606.2, NM_001329607.2); short protein forms N389S, N426S.
Identifiers: ClinVar variation 3771098 (VCV003771098.13).
Genomic context (GRCh38, chr15:64,180,396, plus strand): 5'-AGATGTACGTACTTAGCTTCCTCCACTACCTCCACCTCGGCATGAGCTGTGATTGGTGCA[T>C]TGGAGTGGGCTCCCGTGGGATCATCAACATTCAGCTCTCCATTGGTTGAGCTAACCACCT-3'
Protein context (NP_071331.2, residues 379-399): NVDDPTGAHS[Asn389Ser]APITAHAEVE

ClinVar aggregate classification (germline): Likely benign (1 of 4 stars; one submission).

gnomAD v4.1: 102 of 1,614,072 alleles (0.0063%); highest among the groups gnomAD compares: Middle Eastern, 0.033%; no homozygotes.

Submission:

CeGaT Center for Human Genetics Tuebingen
Classification: Likely benign. Last evaluated: 2025-04-01. Review status: criteria provided, single submitter. Criteria: CeGaT Center For Human Genetics Tuebingen Variant Classification Criteria Version 2. Collection method: clinical testing. Allele origin: germline. Affected: yes. Observed: 1 variant allele.
Comment: CSNK1G1: BP4, BS2